The following is an entry in ClinVar:

ClinVar aggregate classification (germline): Uncertain significance (0 of 4 stars; one submission).

Conditions:
DYRK1B-related disorder. Also called: DYRK1B-related condition.

Submission:

PreventionGenetics, part of Exact Sciences
Classification: Uncertain significance for DYRK1B-related condition. Last evaluated: 2024-05-07. Review status: no assertion criteria provided. Collection method: clinical testing. Allele origin: germline.
Comment: The DYRK1B c.209G>A variant is predicted to result in the amino acid substitution p.Arg70Gln. To our knowledge, this variant has not been reported in the literature. This variant is reported in 0.020% of alleles in individuals of African descent in gnomAD. Although we suspect that this variant may be benign, at this time, the clinical significance of this variant is uncertain due to the absence of conclusive functional and genetic evidence.

NM_004714.3(DYRK1B):c.209G>A (p.Arg70Gln)

Gene: DYRK1B (dual specificity tyrosine phosphorylation regulated kinase 1B; minus strand). Cytogenetic location: 19q13.2.
Variant type: single nucleotide variant.
Coding change: c.209G>A on transcript NM_004714.3 (MANE Select); coding-DNA position 209, G replaced by A.
Protein change: p.Arg70Gln; replaces arginine 70 with glutamine.
Molecular consequence: missense variant.
Genome position (GRCh38, 1-based): chr19:39,830,538, C>T on the plus strand (G>A on the coding strand, the complement: DYRK1B is on the minus strand). VCF-style: chr19-39830538-C-T. GRCh37 (hg19) VCF-style: chr19-40321178-C-T.
Other names: c.209G>A, p.Arg70Gln (NM_006483.3, NM_006484.3); short protein forms R70Q.
Identifiers: ClinVar variation 3358433 (VCV003358433.1).
Genomic context (GRCh38, chr19:39,830,538, plus strand): 5'-TGGTTCAGGACCTTCTTCTCCTTCTTGTTGCTCGAATCCTGGGGTGGCGCCTGCTGGGCC[C>T]GCCGCTTCTTCTTCGCATAGTATACCTGCCCAGCCAGCCAGCCAGGAGATGGGGACTGGT-3'
Protein context (NP_004705.1, residues 60-80): NEVYYAKKKR[Arg70Gln]AQQAPPQDSS